The following is an entry in ClinVar:

NM_000523.4(HOXD13):c.468C>A (p.His156Gln)

Gene: HOXD13 (homeobox D13; plus strand). Cytogenetic location: 2q31.1.
Variant type: single nucleotide variant.
Coding change: c.468C>A on transcript NM_000523.4 (MANE Select); coding-DNA position 468, C replaced by A.
Protein change: p.His156Gln; replaces histidine 156 with glutamine.
Molecular consequence: missense variant.
Genome position (GRCh38, 1-based): chr2:176,093,358, C>A. VCF-style: chr2-176093358-C-A. GRCh37 (hg19) VCF-style: chr2-176958086-C-A.
Other names: short protein forms H156Q.
Identifiers: ClinVar variation 4529638 (VCV004529638.1).

ClinVar aggregate classification (germline): Uncertain significance (1 of 4 stars; one submission).

Submission:

GeneDx
Classification: Uncertain significance. Last evaluated: 2025-05-16. Review status: criteria provided, single submitter. Criteria: GeneDx Variant Classification Process June 2021. Collection method: clinical testing. Allele origin: germline. Affected: yes.
Comment: Not observed at significant frequency in large population cohorts (gnomAD); In silico analysis suggests that this missense variant does not alter protein structure/function; Has not been previously published as pathogenic or benign to our knowledge